The following is an entry in ClinVar:

ClinVar aggregate classification (germline): Uncertain significance (1 of 4 stars; one submission).

Allele frequency attached by ClinVar (database versions not stated): gnomAD exomes below 0.00001; TOPMed 0.00001; gnomAD 0.00001.
gnomAD v4.1: 4 of 1,614,126 alleles (0.00025%); highest among the groups gnomAD compares: Non-Finnish European, 0.00034%; no homozygotes.

Submission:

GeneDx
Classification: Uncertain significance. Last evaluated: 2021-07-01. Review status: criteria provided, single submitter. Criteria: GeneDx Variant Classification Process June 2021. Collection method: clinical testing. Allele origin: germline. Affected: yes.
Comment: Not observed at significant frequency in large population cohorts (Lek et al., 2016); In silico analysis supports that this missense variant does not alter protein structure/function; Has not been previously published as pathogenic or benign to our knowledge

NM_017909.4(RMND1):c.289A>G (p.Thr97Ala)

Gene: RMND1 (required for meiotic nuclear division 1 homolog; minus strand). Cytogenetic location: 6q25.1.
Variant type: single nucleotide variant.
Coding change: c.289A>G on transcript NM_017909.4 (MANE Select); coding-DNA position 289, A replaced by G.
Protein change: p.Thr97Ala; replaces threonine 97 with alanine.
Molecular consequence: missense variant. On other transcripts: intron variant (1).
Genome position (GRCh38, 1-based): chr6:151,445,523, T>C on the plus strand (A>G on the coding strand, the complement: RMND1 is on the minus strand). VCF-style: chr6-151445523-T-C. GRCh37 (hg19) VCF-style: chr6-151766658-T-C.
Other names: c.-7+6493A>G (NM_001271937.2); short protein forms T97A.
Identifiers: ClinVar variation 1331234 (VCV001331234.2), dbSNP rs1288205053, ClinGen allele CA366065679.